The following is an entry in ClinVar:

NM_001003694.2(BRPF1):c.2945G>T (p.Gly982Val)

Gene: BRPF1 (bromodomain and PHD finger containing 1; plus strand). Cytogenetic location: 3p25.3.
Variant type: single nucleotide variant.
Coding change: c.2945G>T on transcript NM_001003694.2 (MANE Select); coding-DNA position 2945, G replaced by T.
Protein change: p.Gly982Val; replaces glycine 982 with valine.
Molecular consequence: missense variant. On other transcripts: non-coding transcript variant (1).
Genome position (GRCh38, 1-based): chr3:9,745,032, G>T. VCF-style: chr3-9745032-G-T. GRCh37 (hg19) VCF-style: chr3-9786716-G-T.
Other names: c.2642G>T, p.Gly881Val (NM_001319049.2); c.2924G>T, p.Gly975Val (NM_001319050.2, NM_001438342.1, NM_001438343.1); c.2942G>T, p.Gly981Val (NM_001410704.1); c.2927G>T, p.Gly976Val (NM_001437892.1, NM_004634.3); c.2660G>T, p.Gly887Val (NM_001438344.1); c.2657G>T, p.Gly886Val (NM_001438345.1); c.2639G>T, p.Gly880Val (NM_001438346.1); short protein forms G880V, G881V, G886V, G887V, G975V, G976V, G981V, G982V.
Identifiers: ClinVar variation 4084884 (VCV004084884.8).

ClinVar aggregate classification (germline): Likely benign (1 of 4 stars; one submission).

Submission:

CeGaT Center for Human Genetics Tuebingen
Classification: Likely benign. Last evaluated: 2025-07-01. Review status: criteria provided, single submitter. Criteria: CeGaT Center For Human Genetics Tuebingen Variant Classification Criteria Version 2. Collection method: clinical testing. Allele origin: germline. Affected: yes. Observed: 1 variant allele.
Comment: BRPF1: BP4